The following is an entry in ClinVar:

ClinVar aggregate classification (germline): Uncertain significance (1 of 4 stars; one submission).

Submission:

Labcorp Genetics (formerly Invitae), Labcorp
Classification: Uncertain significance. Last evaluated: 2024-10-24. Review status: criteria provided, single submitter. Criteria: Invitae Variant Classification Sherloc (09022015). Collection method: clinical testing. Allele origin: germline.
Comment: This sequence change creates a premature translational stop signal (p.Glu2*) in the SEPT9 gene. It is expected to result in an absent or disrupted protein product. However, the current clinical and genetic evidence is not sufficient to establish whether loss-of-function variants in SEPT9 cause disease. This variant is not present in population databases (gnomAD no frequency). This variant has not been reported in the literature in individuals affected with SEPT9-related conditions. In summary, the available evidence is currently insufficient to determine the role of this variant in disease. Therefore, it has been classified as a Variant of Uncertain Significance.

NM_006640.5(SEPTIN9):c.4G>T (p.Glu2Ter)

Gene: SEPTIN9 (septin 9; plus strand). Cytogenetic location: 17q25.3.
Variant type: single nucleotide variant.
Coding change: c.4G>T on transcript NM_006640.5 (MANE Plus Clinical); coding-DNA position 4, G replaced by T.
Protein change: p.Glu2Ter; replaces glutamic acid 2 with a stop codon.
Molecular consequence: nonsense. On other transcripts: intron variant (3).
Genome position (GRCh38, 1-based): chr17:77,320,330, G>T. VCF-style: chr17-77320330-G-T. GRCh37 (hg19) VCF-style: chr17-75316412-G-T.
Other names: c.76+13133G>T (NM_001113491.2); c.19+38776G>T (NM_001293695.2); c.-417+13133G>T (NM_001113492.2); short protein forms E2*.
Identifiers: ClinVar variation 3723732 (VCV003723732.2).